The following is an entry in ClinVar:

ClinVar aggregate classification (germline): Pathogenic (1 of 4 stars; one submission).

Conditions:
Cataract 18 (CATC2). Also called: CATARACT 18, AUTOSOMAL RECESSIVE. Identifiers: Orphanet 91492, Orphanet 98991, Orphanet 98992, Orphanet 98995, MedGen C1864908, MONDO:0012395, OMIM 610019.

Submission:

Labcorp Genetics (formerly Invitae), Labcorp
Classification: Pathogenic for Cataract 18. Last evaluated: 2021-10-10. Review status: criteria provided, single submitter. Criteria: Invitae Variant Classification Sherloc (09022015). Collection method: clinical testing. Allele origin: germline.
Comment: For these reasons, this variant has been classified as Pathogenic. This variant has not been reported in the literature in individuals with FYCO1-related conditions. This variant is not present in population databases (ExAC no frequency). This sequence change creates a premature translational stop signal (p.Ala1054Glufs*7) in the FYCO1 gene. It is expected to result in an absent or disrupted protein product. Loss-of-function variants in FYCO1 are known to be pathogenic (PMID: 21636066).

Literature cited by the submitters: PubMed 21636066.

NM_024513.4(FYCO1):c.3161del (p.Ala1054fs)

Gene: FYCO1 (FYVE and coiled-coil domain autophagy adaptor 1; minus strand). Cytogenetic location: 3p21.31.
Variant type: Deletion.
Coding change: c.3161del on transcript NM_024513.4 (MANE Select); coding-DNA position 3161, one base deleted (C; older notation c.3161delC).
Protein change: p.Ala1054fs; shifts the reading frame from alanine 1054.
Molecular consequence: frameshift variant. On other transcripts: non-coding transcript variant (1).
Genome position (GRCh38, 1-based): chr3:45,964,444, G deleted on the plus strand (C on the coding strand, the reverse complement: FYCO1 is on the minus strand). VCF-style (leftmost placement, unchanged base first): chr3-45964443-TG-T. GRCh37 (hg19) VCF-style: chr3-46005935-TG-T.
Other names: c.3161del, p.Ala1054fs (NM_001386421.1, NM_001386422.1, NM_001386423.1 and 4 more transcripts); c.3041del, p.Ala1014fs (NM_001386426.1); c.3017del, p.Ala1006fs (NM_001386427.1); c.2561del, p.Ala854fs (NM_001386430.1); short protein forms A1006fs, A1054fs, A1014fs, A854fs.
Identifiers: ClinVar variation 1447466 (VCV001447466.6), dbSNP rs2125846016, ClinGen allele CA2573137191.